The following is an entry in ClinVar:

NM_004360.5(CDH1):c.2555A>C (p.Glu852Ala)

Gene: CDH1 (cadherin 1; plus strand). Cytogenetic location: 16q22.1.
Variant type: single nucleotide variant.
Coding change: c.2555A>C on transcript NM_004360.5 (MANE Select); coding-DNA position 2555, A replaced by C.
Protein change: p.Glu852Ala; replaces glutamic acid 852 with alanine.
Molecular consequence: missense variant.
Genome position (GRCh38, 1-based): chr16:68,833,405, A>C. VCF-style: chr16-68833405-A-C. GRCh37 (hg19) VCF-style: chr16-68867308-A-C.
Other names: c.2555A>C (LRG_301t1); c.2372A>C, p.Glu791Ala (NM_001317184.2); c.1007A>C, p.Glu336Ala (NM_001317185.2); c.590A>C, p.Glu197Ala (NM_001317186.2); short protein forms E852A, E336A, E197A, E791A.
Identifiers: ClinVar variation 479492 (VCV000479492.16), dbSNP rs1485384861, ClinGen allele CA396472428.
Genomic context (GRCh38, chr16:68,833,405, plus strand): 5'-TGTTTGACTATGAAGGAAGCGGTTCCGAAGCTGCTAGTCTGAGCTCCCTGAACTCCTCAG[A>C]GTCAGACAAAGACCAGGACTATGACTACTTGAACGAATGGGGCAATCGCTTCAAGAAGCT-3'
Protein context (NP_004351.1, residues 842-862): AASLSSLNSS[Glu852Ala]SDKDQDYDYL

ClinVar aggregate classification (germline): Conflicting classifications of pathogenicity. Review status: criteria provided, conflicting classifications (1 of 4 stars). 2 submissions from 2 submitters: Uncertain significance (1); Likely benign (1). Last evaluated 2025-05-05.

Conditions:
Hereditary cancer-predisposing syndrome. Also called: Tumor predisposition; Neoplastic Syndromes, Hereditary; Hereditary Cancer Syndrome; Hereditary neoplastic syndrome. Identifiers: Orphanet 140162, MedGen C0027672, MeSH D009386, MONDO:0015356.
Hereditary diffuse gastric adenocarcinoma (HDGC). Also called: DIFFUSE GASTRIC AND LOBULAR BREAST CANCER SYNDROME. Identifiers: Orphanet 26106, MedGen C1708349, MONDO:0007648, OMIM 137215.

Allele frequency attached by ClinVar (database versions not stated): TOPMed below 0.00001; gnomAD 0.00001.
gnomAD v4.1: 1 of 1,614,064 alleles (0.000062%); highest among the groups gnomAD compares: African/African-American, 0.0013%; no homozygotes.

Submissions (2):

Labcorp Genetics (formerly Invitae), Labcorp
Classification: Uncertain significance for Hereditary diffuse gastric adenocarcinoma. Last evaluated: 2025-05-05. Review status: criteria provided, single submitter. Criteria: Invitae Variant Classification Sherloc (09022015). Collection method: clinical testing. Allele origin: germline.
Comment: This sequence change replaces glutamic acid, which is acidic and polar, with alanine, which is neutral and non-polar, at codon 852 of the CDH1 protein (p.Glu852Ala). This variant is present in population databases (no rsID available, gnomAD 0.01%). This variant has not been reported in the literature in individuals affected with CDH1-related conditions. ClinVar contains an entry for this variant (Variation ID: 479492). An algorithm developed to predict the effect of missense changes on protein structure and function (PolyPhen-2) suggests that this variant is likely to be tolerated. In summary, the available evidence is currently insufficient to determine the role of this variant in disease. Therefore, it has been classified as a Variant of Uncertain Significance.

Ambry Genetics
Classification: Likely benign for Hereditary cancer-predisposing syndrome. Last evaluated: 2024-08-19. Review status: criteria provided, single submitter. Criteria: Ambry Variant Classification Scheme 2023. Collection method: clinical testing. Allele origin: germline.